The following is an entry in ClinVar:

ClinVar aggregate classification (germline): Uncertain significance (1 of 4 stars; one submission).

Allele frequency attached by ClinVar (database versions not stated): gnomAD exomes 0.00008; ExAC 0.00021; gnomAD 0.00064; TOPMed 0.00083; 1000 Genomes Project 0.00120; ESP Exome Variant Server 0.00138; 1000 Genomes Project 30x 0.00141.
gnomAD v4.1: 211 of 1,611,790 alleles (0.013%); highest among the groups gnomAD compares: African/African-American, 0.27%; no homozygotes.

Submission:

Ambry Genetics
Classification: Uncertain significance. Last evaluated: 2024-11-21. Review status: criteria provided, single submitter. Criteria: Ambry Variant Classification Scheme 2023. Collection method: clinical testing. Allele origin: germline.
Comment: The p.T721N variant (also known as c.2162C>A), located in coding exon 14 of the POLQ gene, results from a C to A substitution at nucleotide position 2162. The threonine at codon 721 is replaced by asparagine, an amino acid with similar properties. This amino acid position is conserved. In addition, this alteration is predicted to be tolerated by in silico analysis. Since supporting evidence is limited at this time, the clinical significance of this alteration remains unclear.

NM_199420.4(POLQ):c.2162C>A (p.Thr721Asn)

Gene: POLQ (DNA polymerase theta; minus strand). Cytogenetic location: 3q13.33.
Variant type: single nucleotide variant.
Coding change: c.2162C>A on transcript NM_199420.4 (MANE Select); coding-DNA position 2162, C replaced by A.
Protein change: p.Thr721Asn; replaces threonine 721 with asparagine.
Molecular consequence: missense variant.
Genome position (GRCh38, 1-based): chr3:121,496,924, G>T on the plus strand (C>A on the coding strand, the complement: POLQ is on the minus strand). VCF-style: chr3-121496924-G-T. GRCh37 (hg19) VCF-style: chr3-121215771-G-T.
Other names: short protein forms T721N.
Identifiers: ClinVar variation 2448663 (VCV002448663.3), dbSNP rs142688084, ClinGen allele CA2563335.
Genomic context (GRCh38, chr3:121,496,924, plus strand): 5'-TATTTCTGATTTATTTCCCTTAAGGGAACTTCACTGATTAAATCTAATAGCACAAGACTG[G>T]TGAAAAACCTGGGAATAAATCATCAAAAGCGTGGTAAGAGATCCTTCACGTCTACTAGGC-3'
Protein context (NP_955452.3, residues 711-731): RQMAIHKRFF[Thr721Asn]SLVLLDLISE